The following is an entry in ClinVar:

ClinVar aggregate classification (germline): Uncertain significance (1 of 4 stars; one submission).

Conditions:
Progressive microcephaly-seizures-cortical blindness-developmental delay syndrome. Also called: Seizures, cortical blindness, and microcephaly syndrome. Identifiers: Orphanet 477814, MedGen C5567650, MONDO:0014714, OMIM 616632.
Autosomal dominant nonsyndromic hearing loss 1. Also called: DEAFNESS, AUTOSOMAL DOMINANT 1, WITH OR WITHOUT THROMBOCYTOPENIA; KONIGSMARK SYNDROME. Identifiers: Orphanet 90635, MedGen C1852282, MONDO:0007424, OMIM 124900.

Allele frequency attached by ClinVar (database versions not stated): TOPMed below 0.00001; gnomAD 0.00001; gnomAD exomes 0.00001; ExAC 0.00002; ESP Exome Variant Server 0.00008.
gnomAD v4.1: 8 of 1,613,292 alleles (0.0005%); highest among the groups gnomAD compares: Non-Finnish European, 0.00068%; no homozygotes.

Submission:

Labcorp Genetics (formerly Invitae), Labcorp
Classification: Uncertain significance for Progressive microcephaly-seizures-cortical blindness-developmental delay syndrome; Autosomal dominant nonsyndromic hearing loss 1. Last evaluated: 2025-12-09. Review status: criteria provided, single submitter. Criteria: Invitae Variant Classification Sherloc (09022015). Collection method: clinical testing. Allele origin: germline.
Comment: This sequence change replaces leucine, which is neutral and non-polar, with phenylalanine, which is neutral and non-polar, at codon 419 of the DIAPH1 protein (p.Leu419Phe). This variant is present in population databases (rs371587729, gnomAD 0.002%). This variant has not been reported in the literature in individuals affected with DIAPH1-related conditions. ClinVar contains an entry for this variant (Variation ID: 1398415). Experimental studies and prediction algorithms are not available or were not evaluated, and the functional significance of this variant is currently unknown. In summary, the available evidence is currently insufficient to determine the role of this variant in disease. Therefore, it has been classified as a Variant of Uncertain Significance.

NM_005219.5(DIAPH1):c.1257G>T (p.Leu419Phe)

Gene: DIAPH1 (diaphanous related formin 1; minus strand). Cytogenetic location: 5q31.3.
Variant type: single nucleotide variant.
Coding change: c.1257G>T on transcript NM_005219.5 (MANE Select); coding-DNA position 1257, G replaced by T.
Protein change: p.Leu419Phe; replaces leucine 419 with phenylalanine.
Molecular consequence: missense variant.
Genome position (GRCh38, 1-based): chr5:141,577,498, C>A on the plus strand (G>T on the coding strand, the complement: DIAPH1 is on the minus strand). VCF-style: chr5-141577498-C-A. GRCh37 (hg19) VCF-style: chr5-140957065-C-A.
Other names: c.1230G>T, p.Leu410Phe (NM_001079812.3); c.1257G>T, p.Leu419Phe (NM_001314007.2); short protein forms L419F, L410F.
Identifiers: ClinVar variation 1398415 (VCV001398415.6), dbSNP rs371587729, ClinGen allele CA3479347.